The following is an entry in ClinVar:

ClinVar aggregate classification (germline): Pathogenic/Likely pathogenic/Likely risk allele. Review status: criteria provided, multiple submitters, no conflicts (2 of 4 stars). 8 submissions from 8 submitters: Pathogenic (6); Likely pathogenic (1); Likely risk allele (1). Last evaluated 2025-03-21.

Conditions:
Insulin-dependent diabetes mellitus secretory diarrhea syndrome (IPEX). Also called: Immune dysregulation-polyendocrinopathy-enteropathy-X-linked syndrome; IMMUNODEFICIENCY, POLYENDOCRINOPATHY, AND ENTEROPATHY, X-LINKED; X-Linked Autoimmunity-Allergic Dysregulation Syndrome; IPEX and IPEX-Like; Immunodeficiency, Polyendocrinopathy, and Enteropathy X-Linked Syndrome; X-Linked Syndrome of Polyendocrinopathy, Immune Dysfunction, and Diarrhea. Identifiers: Orphanet 37042, MedGen C0342288, MONDO:0010580, OMIM 304790. Disease mechanism: loss of function.
Neurodevelopmental disorder. Identifiers: MedGen C1535926, MeSH D065886, MONDO:0700092.

Submissions (8):

GeneDx
Classification: Pathogenic. Last evaluated: 2025-03-21. Review status: criteria provided, single submitter. Criteria: GeneDx Variant Classification Process June 2021. Collection method: clinical testing. Allele origin: germline. Affected: yes.
Comment: Published functional studies demonstrate a damaging effect on binding to DNA, association with Runx1 protein, transcriptional activation, and T cell suppression activity (PMID: 35926508); Not observed at significant frequency in large population cohorts (gnomAD); In silico analysis supports that this missense variant has a deleterious effect on protein structure/function; This variant is associated with the following publications: (PMID: 33587123, 36600150, 37432431, 36007526, 33194927, 27167055, 29193502, 25911531, 11137993, 23313429, 24982679, 37994657, 32428713, 37986949, 32234571, 28488220, 36175752, 31874182, 38040040, 36760169, 35434975, 29241729, 29705245, 32506361, 18931102, 28289675, 30443250, 30385752, 37605532, 33761697, 32531870, 33942430, 35926508)

Laboratory of Molecular Genetics (Pr. Bezieau's lab), CHU de Nantes
Classification: Pathogenic for Neurodevelopmental disorder. Last evaluated: 2023-02-14. Review status: criteria provided, single submitter. Criteria: ACMG Guidelines, 2015. Collection method: clinical testing. Allele origin: germline. Affected: yes.

Women's Health and Genetics/Laboratory Corporation of America, LabCorp
Classification: Pathogenic for Insulin-dependent diabetes mellitus secretory diarrhea syndrome. Last evaluated: 2022-07-18. Review status: criteria provided, single submitter. Criteria: LabCorp Variant Classification Summary - May 2015. Collection method: clinical testing. Allele origin: germline.
Comment: Variant summary: FOXP3 c.1010G>A (p.Arg337Gln) results in a conservative amino acid change located in the Fork head domain of the encoded protein sequence. Four of five in-silico tools predict a damaging effect of the variant on protein function. The variant was absent in 180275 control chromosomes. c.1010G>A has been reported in the literature in individuals affected with Insulin-Dependent Diabetes Mellitus Secretory Diarrhea Syndrome. These data indicate that the variant may be associated with disease. Three clinical diagnostic laboratories have submitted clinical-significance assessments for this variant to ClinVar after 2014 without evidence for independent evaluation. All laboratories classified the variant as pathogenic/likely pathogenic. Based on the evidence outlined above, the variant was classified as pathogenic.

Beijing Key Laboratry for Genetics of Birth Defects, Beijing Children's Hospital
Classification: Pathogenic for Insulin-dependent diabetes mellitus secretory diarrhea syndrome. Last evaluated: 2020-12-20. Review status: criteria provided, single submitter. Criteria: ACMG Guidelines, 2015. Collection method: clinical testing. Allele origin: de novo. Affected: yes. Observed: 1 variant allele.

Rady Children's Institute for Genomic Medicine, Rady Children's Hospital San Diego
Classification: Pathogenic for IMMUNODYSREGULATION, POLYENDOCRINOPATHY, AND ENTEROPATHY, X-LINKED. Last evaluated: 2019-09-25. Review status: criteria provided, single submitter. Criteria: ACMG Guidelines, 2015. Collection method: clinical testing. Allele origin: germline. Affected: yes.
Comment: This variant has been previously reported as a hemizygous change in patients with Immunodysregulation, Polyendocrinopathy, and Enteropathy, X-Linked (IPEX) Syndrome (PMID: 18931102, 24982679, 28289675, 29241729, 30443250). It is absent from the ExAC and gnomAD population databases and thus is presumed to be rare. The c.1010G>A (p.Arg337Gln) variant affects a highly conserved amino acid and is predicted by multiple in silico tools to have a deleterious effect on protein function. Based on the available evidence, the c.1010G>A (p.Arg337Gln) variant is classified as Pathogenic.

Labcorp Genetics (formerly Invitae), Labcorp
Classification: Likely pathogenic for Insulin-dependent diabetes mellitus secretory diarrhea syndrome. Last evaluated: 2019-09-13. Review status: criteria provided, single submitter. Criteria: Invitae Variant Classification Sherloc (09022015). Collection method: clinical testing. Allele origin: germline.
Comment: In summary, the currently available evidence indicates that the variant is pathogenic, but additional data are needed to prove that conclusively. Therefore, this variant has been classified as Likely Pathogenic. Algorithms developed to predict the effect of missense changes on protein structure and function are either unavailable or do not agree on the potential impact of this missense change (SIFT: "Deleterious"; PolyPhen-2: "Probably Damaging"; Align-GVGD: "Class C0"). This variant has been observed in individuals with clinical features of IPEX syndrome (PMID: 18931102, 30443250, 24982679, 25911531, Invitae). This variant is not present in population databases (ExAC no frequency). This sequence change replaces arginine with glutamine at codon 337 of the FOXP3 protein (p.Arg337Gln). The arginine residue is highly conserved and there is a small physicochemical difference between arginine and glutamine.

Athena Diagnostics
Classification: Pathogenic. Last evaluated: 2019-08-21. Review status: criteria provided, single submitter. Criteria: Athena Diagnostics Criteria. Collection method: clinical testing. Allele origin: unknown.
Comment: This variant was reported to be maternally inherited in multiple patients with clinical features of IPEX (PMID: 18931102, 27167055, 28289675, 24982679, 23771172, 28488220, 25911531, 30951839, 30443250). This variant appears to have occurred de novo in one mother of an affected patient (PMID: 28289675). This variant has not been reported in large, multi-ethnic general populations. Computational tools yielded predictions that this amino acid change may be damaging to the protein. This observation is not an independent occurrence and has been identified in the same individual by RCIGM, the other laboratory participating in the GEMINI study.

Clinical Genomics, Uppaluri K&H Personalized Medicine Clinic
Classification: Likely risk allele for Insulin-dependent diabetes mellitus secretory diarrhea syndrome. Review status: criteria provided, single submitter. Criteria: K & H Uppaluri Personalized Medicine Clinic Variant Classification & Assertion Criteria_Updated V.1. Collection method: research. Allele origin: unknown. Inheritance: X-linked recessive inheritance.
Comment: Potent mutations in FOXP3 gene are associated with a rare X linked condition called IPEX. It presents with immune dysregulation, secretory diarrhea, polyendocrinopathy which includes diabtes type 1, thyroiditis, growth hormone deficiency and hypoadrenalism. It is associated with pancreatic beta cell destruction.However no sufficient evidence is found to ascertain the role of this particular variant rs2066044949, yet.

Literature cited by the submitters: PubMed 18931102 (cited by Women's Health and Genetics/Laboratory Corporation of America, LabCorp and Labcorp Genetics (formerly Invitae), Labcorp); PubMed 32531870 (cited by Women's Health and Genetics/Laboratory Corporation of America, LabCorp); PubMed 27167055 (cited by Women's Health and Genetics/Laboratory Corporation of America, LabCorp); PubMed 24982679 (cited by Beijing Key Laboratry for Genetics of Birth Defects, Beijing Children's Hospital and Labcorp Genetics (formerly Invitae), Labcorp); PubMed 28289675 (cited by Beijing Key Laboratry for Genetics of Birth Defects, Beijing Children's Hospital); PubMed 30443250 (cited by Labcorp Genetics (formerly Invitae), Labcorp); PubMed 25911531 (cited by Labcorp Genetics (formerly Invitae), Labcorp); PubMed 29193502 (cited by Clinical Genomics, Uppaluri K&H Personalized Medicine Clinic); PubMed 33194927 (cited by Clinical Genomics, Uppaluri K&H Personalized Medicine Clinic); PubMed 11137993 (cited by Clinical Genomics, Uppaluri K&H Personalized Medicine Clinic); PubMed 23313429 (cited by Clinical Genomics, Uppaluri K&H Personalized Medicine Clinic); PubMed 33523441 (cited by Clinical Genomics, Uppaluri K&H Personalized Medicine Clinic).

NM_014009.4(FOXP3):c.1010G>A (p.Arg337Gln)

Gene: FOXP3 (forkhead box P3; minus strand). Cytogenetic location: Xp11.23.
Variant type: single nucleotide variant.
Coding change: c.1010G>A on transcript NM_014009.4 (MANE Select); coding-DNA position 1010, G replaced by A.
Protein change: p.Arg337Gln; replaces arginine 337 with glutamine.
Molecular consequence: missense variant.
Genome position (GRCh38, 1-based): chrX:49,253,160, C>T on the plus strand (G>A on the coding strand, the complement: FOXP3 is on the minus strand). VCF-style: chrX-49253160-C-T. GRCh37 (hg19) VCF-style: chrX-49109621-C-T.
Other names: c.905G>A, p.Arg302Gln (NM_001114377.2); short protein forms R302Q, R337Q.
Identifiers: ClinVar variation 935864 (VCV000935864.18), dbSNP rs2066044949, ClinGen allele CA412950214.
Genomic context (GRCh38, chrX:49,253,160, plus strand): 5'-CCTTGGGGCCGAGCTGCCCTGCTTACCCAGCGGATGAGCGTGGCGTAGGTGAAAGGGGGT[C>T]GCATGTTGTGGAACTTGAAGTAGTCCATGTTGTGGAGGAACTCTGTCAGAGGGTGGGGAT-3'
Protein context (NP_054728.2, residues 327-347): NMDYFKFHNM[Arg337Gln]PPFTYATLIR